The following is an entry in ClinVar:

ClinVar aggregate classification (germline): Uncertain significance. Review status: criteria provided, multiple submitters, no conflicts (2 of 4 stars). 2 submissions from 2 submitters: Uncertain significance (2). Last evaluated 2025-01-25.

Conditions:
DOCK2 deficiency. Also called: Immunodeficiency 40. Identifiers: Orphanet 447737, MedGen C4225328, MONDO:0014637, OMIM 616433.
Inborn genetic diseases. Identifiers: MedGen C0950123, MeSH D030342.

Allele frequency attached by ClinVar (database versions not stated): gnomAD exomes below 0.00001 and 0.00001.
gnomAD v4.1: 21 of 1,614,112 alleles (0.0013%); highest among the groups gnomAD compares: Non-Finnish European, 0.0017%; no homozygotes.

Submissions (2):

Ambry Genetics
Classification: Uncertain significance for Inborn genetic diseases. Last evaluated: 2025-01-25. Review status: criteria provided, single submitter. Criteria: Ambry Variant Classification Scheme 2023. Collection method: clinical testing. Allele origin: germline.

Labcorp Genetics (formerly Invitae), Labcorp
Classification: Uncertain significance for DOCK2 deficiency. Last evaluated: 2021-05-29. Review status: criteria provided, single submitter. Criteria: Invitae Variant Classification Sherloc (09022015). Collection method: clinical testing. Allele origin: germline.
Comment: In summary, the available evidence is currently insufficient to determine the role of this variant in disease. Therefore, it has been classified as a Variant of Uncertain Significance. Algorithms developed to predict the effect of missense changes on protein structure and function are either unavailable or do not agree on the potential impact of this missense change (SIFT: "Tolerated"; PolyPhen-2: "Possibly Damaging"; Align-GVGD: "Class C0"). This variant has not been reported in the literature in individuals with DOCK2-related conditions. This variant is not present in population databases (ExAC no frequency). This sequence change replaces glutamic acid with valine at codon 72 of the DOCK2 protein (p.Glu72Val). The glutamic acid residue is weakly conserved and there is a moderate physicochemical difference between glutamic acid and valine.

NM_004946.3(DOCK2):c.215A>T (p.Glu72Val)

Gene: DOCK2 (dedicator of cytokinesis 2; plus strand). Cytogenetic location: 5q35.1.
Variant type: single nucleotide variant.
Coding change: c.215A>T on transcript NM_004946.3 (MANE Select); coding-DNA position 215, A replaced by T.
Protein change: p.Glu72Val; replaces glutamic acid 72 with valine.
Molecular consequence: missense variant. On other transcripts: non-coding transcript variant (1).
Genome position (GRCh38, 1-based): chr5:169,670,588, A>T. VCF-style: chr5-169670588-A-T. GRCh37 (hg19) VCF-style: chr5-169097592-A-T.
Other names: c.215A>T (NM_004946.2); short protein forms E72V.
Identifiers: ClinVar variation 1009395 (VCV001009395.9), dbSNP rs1375534866, ClinGen allele CA362102211.
Genomic context (GRCh38, chr5:169,670,588, plus strand): 5'-TTTGTTTCCAACAGGGCATTTTTCCTAAGTCATTTATCCACATCAAGGAAGTGACAGTTG[A>T]GAAAAGAAGGTATTTGCCATTCTTCACCAGACTTGAGCCTCCAGTGGCTCATGGATGTCT-3'
Protein context (NP_004937.1, residues 62-82): SFIHIKEVTV[Glu72Val]KRRNTENIIP